The following is an entry in ClinVar:

NM_004519.4(KCNQ3):c.1972T>A (p.Tyr658Asn)

Gene: KCNQ3 (potassium voltage-gated channel subfamily Q member 3; minus strand). Cytogenetic location: 8q24.22.
Variant type: single nucleotide variant.
Coding change: c.1972T>A on transcript NM_004519.4 (MANE Select); coding-DNA position 1972, T replaced by A.
Protein change: p.Tyr658Asn; replaces tyrosine 658 with asparagine.
Molecular consequence: missense variant.
Genome position (GRCh38, 1-based): chr8:132,129,909, A>T on the plus strand (T>A on the coding strand, the complement: KCNQ3 is on the minus strand). VCF-style: chr8-132129909-A-T. GRCh37 (hg19) VCF-style: chr8-133142156-A-T.
Other names: c.1612T>A, p.Tyr538Asn (NM_001204824.2); short protein forms Y538N, Y658N.
Identifiers: ClinVar variation 1040197 (VCV001040197.8), dbSNP rs1824811259, ClinGen allele CA372217223.
Genomic context (GRCh38, chr8:132,129,909, plus strand): 5'-AATACCTGTTGTCCTCCTTCTTCTCTGCTTCAGCTGGCGAGGAGGTGCCCTTGGTTGGGT[A>T]ATACTCCGTGACCTGCACCTGCAACCGTTCCATGTGTTGCATGTGCATATCCACGAGGAA-3'
Protein context (NP_004510.1, residues 648-668): ERLQVQVTEY[Tyr658Asn]PTKGTSSPAE

ClinVar aggregate classification (germline): Uncertain significance (1 of 4 stars; one submission).

Conditions:
Benign neonatal seizures. Also called: Benign familial neonatal seizures; Benign familial neonatal epilepsy; Convulsions benign familial neonatal dominant form; Autosomal dominant form of benign neonatal seizures; Benign neonatal familial convulsions. Identifiers: Orphanet 1949, MedGen C0220669, MONDO:0016027.

Submission:

Labcorp Genetics (formerly Invitae), Labcorp
Classification: Uncertain significance for Benign neonatal seizures. Last evaluated: 2020-03-30. Review status: criteria provided, single submitter. Criteria: Invitae Variant Classification Sherloc (09022015). Collection method: clinical testing. Allele origin: germline.
Comment: In summary, the available evidence is currently insufficient to determine the role of this variant in disease. Therefore, it has been classified as a Variant of Uncertain Significance. Algorithms developed to predict the effect of missense changes on protein structure and function (SIFT, PolyPhen-2, Align-GVGD) all suggest that this variant is likely to be tolerated, but these predictions have not been confirmed by published functional studies and their clinical significance is uncertain. This variant has not been reported in the literature in individuals with KCNQ3-related conditions. This variant is not present in population databases (ExAC no frequency). This sequence change replaces tyrosine with asparagine at codon 658 of the KCNQ3 protein (p.Tyr658Asn). The tyrosine residue is moderately conserved and there is a large physicochemical difference between tyrosine and asparagine.